The following is an entry in ClinVar:

NM_178014.4(TUBB):c.173A>G (p.Lys58Arg)

Gene: TUBB (tubulin beta class I; plus strand). Cytogenetic location: 6p21.33.
Variant type: single nucleotide variant.
Coding change: c.173A>G on transcript NM_178014.4 (MANE Select); coding-DNA position 173, A replaced by G.
Protein change: p.Lys58Arg; replaces lysine 58 with arginine.
Molecular consequence: missense variant. On other transcripts: 5 prime UTR variant (2), non-coding transcript variant (1).
Genome position (GRCh38, 1-based): chr6:30,722,924, A>G. VCF-style: chr6-30722924-A-G. GRCh37 (hg19) VCF-style: chr6-30690701-A-G.
Other names: c.233A>G, p.Lys78Arg (NM_001293212.2); c.173A>G, p.Lys58Arg (NM_001293213.2); c.41A>G, p.Lys14Arg (NM_001293214.2); c.-44A>G (NM_001293215.2, NM_001293216.2); short protein forms K14R, K58R, K78R.
Identifiers: ClinVar variation 1710907 (VCV001710907.3), dbSNP rs2536603882, ClinGen allele CA363143128.
Genomic context (GRCh38, chr6:30,722,924, plus strand): 5'-CTATAAACCTTCCCTTCTGCCAGATTTCACAGCTCTTAACTTTATTCTCTGTAGGTGGCA[A>G]ATATGTTCCTCGTGCCATCCTGGTGGATCTAGAACCTGGGACCATGGACTCTGTTCGCTC-3'
Protein context (NP_821133.1, residues 48-68): SVYYNEATGG[Lys58Arg]YVPRAILVDL

ClinVar aggregate classification (germline): Uncertain significance. Review status: criteria provided, multiple submitters, no conflicts (2 of 4 stars). 2 submissions from 2 submitters: Uncertain significance (2). Last evaluated 2022-11-11.

Submissions (2):

Blueprint Genetics
Classification: Uncertain significance. Last evaluated: 2022-11-11. Review status: criteria provided, single submitter. Criteria: ACMG Guidelines, 2015. Collection method: clinical testing. Allele origin: germline.

GeneDx
Classification: Uncertain significance. Last evaluated: 2022-04-14. Review status: criteria provided, single submitter. Criteria: GeneDx Variant Classification Process June 2021. Collection method: clinical testing. Allele origin: germline. Affected: yes.
Comment: Not observed at significant frequency in large population cohorts (gnomAD); In silico analysis supports that this missense variant does not alter protein structure/function; Has not been previously published as pathogenic or benign to our knowledge